The following is an entry in ClinVar:

ClinVar aggregate classification (germline): Pathogenic (1 of 4 stars; one submission).

Submission:

Labcorp Genetics (formerly Invitae), Labcorp
Classification: Pathogenic. Last evaluated: 2023-10-25. Review status: criteria provided, single submitter. Criteria: Invitae Variant Classification Sherloc (09022015). Collection method: clinical testing. Allele origin: germline.
Comment: This sequence change creates a premature translational stop signal (p.Thr140Aspfs*75) in the COX15 gene. It is expected to result in an absent or disrupted protein product. Loss-of-function variants in COX15 are known to be pathogenic (PMID: 15863660, 21412973). This variant is not present in population databases (gnomAD no frequency). This variant has not been reported in the literature in individuals affected with COX15-related conditions. Algorithms developed to predict the effect of sequence changes on RNA splicing suggest that this variant may disrupt the consensus splice site. For these reasons, this variant has been classified as Pathogenic.

Literature cited by the submitters: PubMed 15863660; PubMed 21412973.

NM_078470.6(COX15):c.416dup (p.Thr140fs)

Gene: COX15 (cytochrome c oxidase assembly factor COX15; minus strand). Cytogenetic location: 10q24.2.
Variant type: Duplication.
Coding change: c.416dup on transcript NM_078470.6 (MANE Select); coding-DNA position 416, one base duplicated (T; older notation c.416dupT).
Protein change: p.Thr140fs; shifts the reading frame from threonine 140.
Molecular consequence: frameshift variant. On other transcripts: intron variant (1).
Genome position (GRCh38, 1-based): chr10:99,727,134, A duplicated on the plus strand (T on the coding strand, the reverse complement: COX15 is on the minus strand). VCF-style (leftmost placement, unchanged base first): chr10-99727133-C-CA. GRCh37 (hg19) VCF-style: chr10-101486890-C-CA.
Other names: c.416dup, p.Thr140fs (NM_001320974.2, NM_001320975.2, NM_001372024.1 and 5 more transcripts); c.-59-63dup (NM_001320976.2); short protein forms T140fs.
Identifiers: ClinVar variation 2771724 (VCV002771724.3), dbSNP rs2492722994, ClinGen allele CA2697558711.